The following is an entry in ClinVar:

NM_000548.5(TSC2):c.249G>A (p.Lys83=)

Gene: TSC2 (TSC complex subunit 2; plus strand). Cytogenetic location: 16p13.3.
Variant type: single nucleotide variant.
Coding change: c.249G>A on transcript NM_000548.5 (MANE Select); coding-DNA position 249, G replaced by A.
Protein change: p.Lys83=; no amino-acid change (lysine 83 retained).
Molecular consequence: synonymous variant. On other transcripts: intron variant (2).
Genome position (GRCh38, 1-based): chr16:2,053,365, G>A. VCF-style: chr16-2053365-G-A. GRCh37 (hg19) VCF-style: chr16-2103366-G-A.
Other names: c.249G>A, p.Lys83= (NM_001077183.3, NM_001114382.3, NM_001363528.2 and 3 more transcripts); c.102G>A, p.Lys34= (NM_001318829.2); c.282G>A, p.Lys94= (NM_001318832.2); c.226-931G>A (NM_001318827.2); c.-1-2831G>A (NM_001318831.2); c.249G>A (NM_000548.3).
Identifiers: ClinVar variation 1078329 (VCV001078329.35), dbSNP rs1202653675, ClinGen allele CA492955120.

ClinVar aggregate classification (germline): Likely benign. Review status: criteria provided, multiple submitters, no conflicts (2 of 4 stars). 4 submissions from 4 submitters: Likely benign (4). Last evaluated 2024-04-22.

Conditions:
Tuberous sclerosis 2 (TSC2). Identifiers: Orphanet 805, MedGen C1860707, MONDO:0013199, OMIM 613254.
Tuberous sclerosis syndrome (TSC). Also called: Tuberous sclerosis; Tuberous Sclerosis Complex. Identifiers: Orphanet 805, MedGen C0041341, MONDO:0001734.
Hereditary cancer-predisposing syndrome. Also called: Neoplastic Syndromes, Hereditary; Tumor predisposition; Hereditary neoplastic syndrome; Hereditary Cancer Syndrome. Identifiers: Orphanet 140162, MedGen C0027672, MeSH D009386, MONDO:0015356.

Submissions (4):

Labcorp Genetics (formerly Invitae), Labcorp
Classification: Likely benign for Tuberous sclerosis 2. Last evaluated: 2024-04-22. Review status: criteria provided, single submitter. Criteria: Invitae Variant Classification Sherloc (09022015). Collection method: clinical testing. Allele origin: germline.

All of Us Research Program, National Institutes of Health
Classification: Likely benign for Tuberous sclerosis syndrome. Last evaluated: 2023-08-15. Review status: criteria provided, single submitter. Criteria: ACMG Guidelines, 2015. Collection method: clinical testing. Allele origin: germline. Inheritance: Autosomal dominant inheritance. Observed: 1 variant allele, 1 heterozygote.
Comment: This study involves interpretation of variants in research participants for the purpose of population health screening. Participant phenotype was not available at the time of variant classification. Additional details can be found in publication PMID: 35346344, PMCID: PMC8962531

Ambry Genetics
Classification: Likely benign for Hereditary cancer-predisposing syndrome. Last evaluated: 2023-06-12. Review status: criteria provided, single submitter. Criteria: Ambry Variant Classification Scheme 2023. Collection method: clinical testing. Allele origin: germline.

CeGaT Center for Human Genetics Tuebingen
Classification: Likely benign. Last evaluated: 2023-01-01. Review status: criteria provided, single submitter. Criteria: CeGaT Center For Human Genetics Tuebingen Variant Classification Criteria Version 2. Collection method: clinical testing. Allele origin: germline. Affected: yes. Observed: 1 variant allele.
Comment: TSC2: BP4, BP7